The following is an entry in ClinVar:

ClinVar aggregate classification (germline): Uncertain significance (1 of 4 stars; one submission).

Conditions:
Orofaciodigital syndrome type 14. Also called: Orofaciodigital syndrome xiv. Identifiers: Orphanet 434179, MedGen C4706604, MONDO:0014413, OMIM 615948.

Submission:

Juno Genomics, Hangzhou Juno Genomics, Inc
Classification: Uncertain significance for Orofaciodigital syndrome type 14. Review status: criteria provided, single submitter. Criteria: ACMG Guidelines, 2015. Collection method: clinical testing. Allele origin: germline.
Comment: Absent from controls (or at extremely low frequency if recessive) in Genome Aggregation Database.;Multiple lines of computational evidence support a deleterious effect on the gene or gene product.

NM_001286577.2(C2CD3):c.2561C>A (p.Pro854Gln)

Gene: C2CD3 (C2 domain containing 3 centriole elongation regulator; minus strand). Cytogenetic location: 11q13.4.
Variant type: single nucleotide variant.
Coding change: c.2561C>A on transcript NM_001286577.2 (MANE Select); coding-DNA position 2561, C replaced by A.
Protein change: p.Pro854Gln; replaces proline 854 with glutamine.
Molecular consequence: missense variant.
Genome position (GRCh38, 1-based): chr11:74,103,150, G>T on the plus strand (C>A on the coding strand, the complement: C2CD3 is on the minus strand). VCF-style: chr11-74103150-G-T. GRCh37 (hg19) VCF-style: chr11-73814195-G-T.
Other names: c.2561C>A, p.Pro854Gln (NM_015531.6); short protein forms P854Q.
Identifiers: ClinVar variation 5019439 (VCV005019439.2).